The following is an entry in ClinVar:

NC_000003.11:g.(?_93593089)_(93845334_?)del

Genes: ARL13B (ARF like GTPase 13B; plus strand), DHFR2 (dihydrofolate reductase 2; minus strand), NSUN3 (NOP2/Sun RNA methyltransferase 3; plus strand), PROS1 (protein S; minus strand), STX19 (syntaxin 19; minus strand). Cytogenetic location: 3q11.1.
Variant type: Deletion.
Identifiers: ClinVar variation 1457416 (VCV001457416.4).

ClinVar aggregate classification (germline): Pathogenic (1 of 4 stars; one submission).

Conditions:
Thrombophilia due to protein S deficiency, autosomal recessive (THPH6). Identifiers: Orphanet 743, MedGen C3281092, MONDO:0013791, OMIM 614514. Disease mechanism: loss of function.

Submission:

Labcorp Genetics (formerly Invitae), Labcorp
Classification: Pathogenic for Thrombophilia due to protein S deficiency, autosomal recessive. Last evaluated: 2023-06-20. Review status: criteria provided, single submitter. Criteria: Invitae Variant Classification Sherloc (09022015). Collection method: clinical testing. Allele origin: germline.
Comment: For these reasons, this variant has been classified as Pathogenic. A similar copy number variant has been observed in individual(s) with protein S deficiency (PMID: 16363235, 22627709). A gross deletion of the genomic region encompassing the full coding sequence of the PROS1 gene has been identified. Loss-of-function variants in PROS1 are known to be pathogenic (PMID: 9241758). The boundaries of this event are unknown as they extend beyond the assayed region for this gene and therefore may encompass additional genes.

Literature cited by the submitters: PubMed 16363235; PubMed 22627709; PubMed 9241758.